The following is an entry in ClinVar:

NM_000179.3(MSH6):c.275C>T (p.Pro92Leu)

Gene: MSH6 (mutS homolog 6; plus strand). Cytogenetic location: 2p16.3.
Variant type: single nucleotide variant.
Coding change: c.275C>T on transcript NM_000179.3 (MANE Select); coding-DNA position 275, C replaced by T.
Protein change: p.Pro92Leu; replaces proline 92 with leucine.
Molecular consequence: missense variant. On other transcripts: 5 prime UTR variant (2), intron variant (1).
Genome position (GRCh38, 1-based): chr2:47,790,941, C>T. VCF-style: chr2-47790941-C-T. GRCh37 (hg19) VCF-style: chr2-48018080-C-T.
Other names: c.-462C>T (NM_001281493.2); c.-628C>T (NM_001281494.2); c.237+7471C>T (NM_001281492.2); short protein forms P92L.
Identifiers: ClinVar variation 483768 (VCV000483768.29), dbSNP rs1257646433, ClinGen allele CA346736532.

ClinVar aggregate classification (germline): Uncertain significance. Review status: criteria provided, multiple submitters, no conflicts (2 of 4 stars). 7 submissions from 7 submitters: Uncertain significance (7). Last evaluated 2025-06-01.

Conditions:
Hereditary nonpolyposis colorectal neoplasms. Identifiers: MedGen C0009405, MeSH D003123.
Lynch syndrome. Identifiers: Orphanet 144, MedGen C4552100, MONDO:0005835. Disease mechanism: loss of function.
Hereditary cancer-predisposing syndrome. Also called: Hereditary neoplastic syndrome; Tumor predisposition; Neoplastic Syndromes, Hereditary; Hereditary Cancer Syndrome. Identifiers: Orphanet 140162, MedGen C0027672, MeSH D009386, MONDO:0015356.
Lynch syndrome 5 (LYNCH5). Also called: Hereditary non-polyposis colorectal cancer, type 5; Colorectal cancer, hereditary nonpolyposis, type 5. Identifiers: Orphanet 144, MedGen C1833477, MONDO:0013710, OMIM 614350. Disease mechanism: loss of function.
Endometrial carcinoma. Also called: Endometrial carcinoma, somatic. Identifiers: MedGen C0476089, MONDO:0002447, OMIM 608089, HP:0012114.
Mismatch repair cancer syndrome 3. Identifiers: MedGen C5436807, MONDO:0030841, OMIM 619097.

Allele frequency attached by ClinVar (database versions not stated): gnomAD exomes below 0.00001; TOPMed below 0.00001.
gnomAD v4.1: 4 of 1,614,090 alleles (0.00025%); highest among the groups gnomAD compares: Non-Finnish European, 0.00034%; no homozygotes.

Submissions (7):

CeGaT Center for Human Genetics Tuebingen
Classification: Uncertain significance. Last evaluated: 2025-06-01. Review status: criteria provided, single submitter. Criteria: CeGaT Center For Human Genetics Tuebingen Variant Classification Criteria Version 2. Collection method: clinical testing. Allele origin: germline. Affected: yes. Observed: 1 variant allele.

Ambry Genetics
Classification: Uncertain significance for Hereditary cancer-predisposing syndrome. Last evaluated: 2025-02-19. Review status: criteria provided, single submitter. Criteria: Ambry Variant Classification Scheme 2023. Collection method: clinical testing. Allele origin: germline.
Comment: The p.P92L variant (also known as c.275C>T), located in coding exon 2 of the MSH6 gene, results from a C to T substitution at nucleotide position 275. The proline at codon 92 is replaced by leucine, an amino acid with similar properties. This amino acid position is not well conserved in available vertebrate species. In addition, this alteration is predicted to be tolerated by in silico analysis. Since supporting evidence is limited at this time, the clinical significance of this alteration remains unclear.

Fulgent Genetics
Classification: Uncertain significance for Endometrial carcinoma; Lynch syndrome 5; Mismatch repair cancer syndrome 3. Last evaluated: 2024-05-13. Review status: criteria provided, single submitter. Criteria: ACMG Guidelines, 2015. Collection method: clinical testing. Allele origin: germline.

All of Us Research Program, National Institutes of Health
Classification: Uncertain significance for Lynch syndrome. Last evaluated: 2023-12-13. Review status: criteria provided, single submitter. Criteria: ACMG Guidelines, 2015. Collection method: clinical testing. Allele origin: germline. Inheritance: Autosomal dominant inheritance. Observed: 1 variant allele, 1 heterozygote.
Comment: This missense variant replaces proline with leucine at codon 92 of the MSH6 protein. Computational prediction suggests that this variant may not impact protein structure and function (internally defined REVEL score threshold <= 0.5, PMID: 27666373). To our knowledge, functional studies have not been reported for this variant. This variant has not been reported in individuals affected with MSH6-related disorders in the literature. This variant has been identified in 1/251470 chromosomes in the general population by the Genome Aggregation Database (gnomAD). The available evidence is insufficient to determine the role of this variant in disease conclusively. Therefore, this variant is classified as a Variant of Uncertain Significance.

This study involves interpretation of variants in research participants for the purpose of population health screening. Participant phenotype was not available at the time of variant classification. Additional details can be found in publication PMID: 35346344, PMCID: PMC8962531

Quest Diagnostics Nichols Institute San Juan Capistrano
Classification: Uncertain significance. Last evaluated: 2020-01-02. Review status: criteria provided, single submitter. Criteria: Quest Diagnostics criteria. Collection method: clinical testing. Allele origin: unknown.

Labcorp Genetics (formerly Invitae), Labcorp
Classification: Uncertain significance for Hereditary nonpolyposis colorectal neoplasms. Last evaluated: 2019-08-23. Review status: criteria provided, single submitter. Criteria: Invitae Variant Classification Sherloc (09022015). Collection method: clinical testing. Allele origin: germline.
Comment: In summary, the available evidence is currently insufficient to determine the role of this variant in disease. Therefore, it has been classified as a Variant of Uncertain Significance. Algorithms developed to predict the effect of missense changes on protein structure and function are either unavailable or do not agree on the potential impact of this missense change (SIFT: "Tolerated"; PolyPhen-2: "Probably Damaging"; Align-GVGD: "Class C0"). This variant has not been reported in the literature in individuals with MSH6-related disease. ClinVar contains an entry for this variant (Variation ID: 483768). This variant is not present in population databases (ExAC no frequency). This sequence change replaces proline with leucine at codon 92 of the MSH6 protein (p.Pro92Leu). The proline residue is moderately conserved and there is a moderate physicochemical difference between proline and leucine.

Mendelics
Classification: Uncertain significance for Lynch syndrome. Last evaluated: 2018-07-02. Review status: criteria provided, single submitter. Criteria: Mendelics Assertion Criteria 2017. Collection method: clinical testing. Allele origin: unknown.